The following is an entry in ClinVar:

NM_000350.3(ABCA4):c.4659T>A (p.Asn1553Lys)

Gene: ABCA4 (ATP binding cassette subfamily A member 4; minus strand). Cytogenetic location: 1p22.1.
Variant type: single nucleotide variant.
Coding change: c.4659T>A on transcript NM_000350.3 (MANE Select); coding-DNA position 4659, T replaced by A.
Protein change: p.Asn1553Lys; replaces asparagine 1553 with lysine.
Molecular consequence: missense variant.
Genome position (GRCh38, 1-based): chr1:94,023,394, A>T on the plus strand (T>A on the coding strand, the complement: ABCA4 is on the minus strand). VCF-style: chr1-94023394-A-T. GRCh37 (hg19) VCF-style: chr1-94488950-A-T.
Other names: c.4437T>A, p.Asn1479Lys (NM_001425324.1); short protein forms N1553K, N1479K.
Identifiers: ClinVar variation 967239 (VCV000967239.8), dbSNP rs1354737408, ClinGen allele CA341284192.

ClinVar aggregate classification (germline): Uncertain significance. Review status: criteria provided, multiple submitters, no conflicts (2 of 4 stars). 2 submissions from 2 submitters: Uncertain significance (2). Last evaluated 2023-05-29.

Allele frequency attached by ClinVar (database versions not stated): TOPMed 0.00003.
gnomAD v4.1: 41 of 1,608,742 alleles (0.0025%); highest among the groups gnomAD compares: Non-Finnish European, 0.0034%; no homozygotes.

Submissions (2):

Blueprint Genetics
Classification: Uncertain significance. Last evaluated: 2023-05-29. Review status: criteria provided, single submitter. Criteria: ACMG Guidelines, 2015. Collection method: clinical testing. Allele origin: germline.

Labcorp Genetics (formerly Invitae), Labcorp
Classification: Uncertain significance. Last evaluated: 2021-09-01. Review status: criteria provided, single submitter. Criteria: Invitae Variant Classification Sherloc (09022015). Collection method: clinical testing. Allele origin: germline.
Comment: This sequence change replaces asparagine with lysine at codon 1553 of the ABCA4 protein (p.Asn1553Lys). The asparagine residue is highly conserved and there is a moderate physicochemical difference between asparagine and lysine. This variant is not present in population databases (ExAC no frequency). This variant has not been reported in the literature in individuals affected with ABCA4-related conditions. Algorithms developed to predict the effect of missense changes on protein structure and function (SIFT, PolyPhen-2, Align-GVGD) all suggest that this variant is likely to be disruptive. In summary, the available evidence is currently insufficient to determine the role of this variant in disease. Therefore, it has been classified as a Variant of Uncertain Significance.